The following is an entry in ClinVar:

NM_003482.4(KMT2D):c.1028A>G (p.Tyr343Cys)

Gene: KMT2D (lysine methyltransferase 2D; minus strand). Cytogenetic location: 12q13.12.
Variant type: single nucleotide variant.
Coding change: c.1028A>G on transcript NM_003482.4 (MANE Select); coding-DNA position 1028, A replaced by G.
Protein change: p.Tyr343Cys; replaces tyrosine 343 with cysteine.
Molecular consequence: missense variant.
Genome position (GRCh38, 1-based): chr12:49,052,999, T>C on the plus strand (A>G on the coding strand, the complement: KMT2D is on the minus strand). VCF-style: chr12-49052999-T-C. GRCh37 (hg19) VCF-style: chr12-49446782-T-C.
Other names: c.1028A>G (NM_003482.3); short protein forms Y343C.
Identifiers: ClinVar variation 1475069 (VCV001475069.8), dbSNP rs1322211105, ClinGen allele CA384678398.
Genomic context (GRCh38, chr12:49,052,999, plus strand): 5'-TCAGCAACGGAGCGGATAGTCTGACCTCCCTGGGCTTTGTGACAGCGGTGACAGAGAGAG[T>C]AGTTCTCAAACCACTCCGAGTTGGGATTCAGTTCTGCTGAGCCCGCCCCACAGGCCCGGC-3'
Protein context (NP_003473.3, residues 333-353): LNPNSEWFEN[Tyr343Cys]SLCHRCHKAQ

ClinVar aggregate classification (germline): Uncertain significance. Review status: criteria provided, multiple submitters, no conflicts (2 of 4 stars). 3 submissions from 3 submitters: Uncertain significance (3). Last evaluated 2026-04-28.

Conditions:
Inborn genetic diseases. Identifiers: MedGen C0950123, MeSH D030342.
Kabuki syndrome. Also called: NIIKAWA-KUROKI SYNDROME; Kabuki make-up syndrome. Identifiers: Orphanet 2322, MedGen C0796004, MONDO:0016512.

Allele frequency attached by ClinVar (database versions not stated): gnomAD exomes below 0.00001; TOPMed below 0.00001; gnomAD 0.00001.
gnomAD v4.1: 6 of 1,613,474 alleles (0.00037%); highest among the groups gnomAD compares: Admixed American, 0.0017%; no homozygotes.

Submissions (3):

Ambry Genetics
Classification: Uncertain significance for Inborn genetic diseases. Last evaluated: 2026-04-28. Review status: criteria provided, single submitter. Criteria: Ambry Variant Classification Scheme 2023. Collection method: clinical testing. Allele origin: germline.

Revvity Omics, Revvity
Classification: Uncertain significance. Last evaluated: 2025-05-22. Review status: criteria provided, single submitter. Criteria: ACMG Guidelines, 2015. Collection method: clinical testing. Allele origin: germline.

Labcorp Genetics (formerly Invitae), Labcorp
Classification: Uncertain significance for Kabuki syndrome. Last evaluated: 2022-06-29. Review status: criteria provided, single submitter. Criteria: Invitae Variant Classification Sherloc (09022015). Collection method: clinical testing. Allele origin: germline.
Comment: This sequence change replaces tyrosine, which is neutral and polar, with cysteine, which is neutral and slightly polar, at codon 343 of the KMT2D protein (p.Tyr343Cys). In summary, the available evidence is currently insufficient to determine the role of this variant in disease. Therefore, it has been classified as a Variant of Uncertain Significance. Advanced modeling of protein sequence and biophysical properties (such as structural, functional, and spatial information, amino acid conservation, physicochemical variation, residue mobility, and thermodynamic stability) performed at Invitae indicates that this missense variant is not expected to disrupt KMT2D protein function. This variant has not been reported in the literature in individuals affected with KMT2D-related conditions. This variant is not present in population databases (gnomAD no frequency).